The following is an entry in ClinVar:

ClinVar aggregate classification (germline): Uncertain significance. Review status: criteria provided, single submitter (1 of 4 stars). 3 submissions from 2 submitters: Uncertain significance (2). 1 of the submissions does not count toward it.

Conditions:
Transitory neonatal diabetes mellitus. Also called: Transient neonatal diabetes mellitus. Identifiers: MedGen C0342273, MONDO:0020525, HP:0008255.
Maturity-onset diabetes of the young (MODY). Also called: Maturity onset diabetes mellitus in young. Identifiers: Orphanet 552, MedGen C0342276, MONDO:0018911, HP:0004904.
Hyperinsulinemic hypoglycemia, familial, 1 (HHF1). Also called: HYPERINSULINISM, FAMILIAL, WITH PANCREATIC NESIDIOBLASTOSIS; HYPOGLYCEMIA, HYPERINSULINEMIC, OF INFANCY; Persistent hyperinsulinemic hypoglycemia of infancy; NESIDIOBLASTOSIS OF PANCREAS; Persistent Hyperinsulinemia Hypoglycemia of Infancy. Identifiers: Orphanet 276575, Orphanet 276598, MedGen C2931832, MONDO:0009734, OMIM 256450.

Submissions (3):

Clinical Genomics, Uppaluri K&H Personalized Medicine Clinic
Classification: Uncertain significance for Maturity-onset diabetes of the young. Review status: criteria provided, single submitter. Criteria: K & H Uppaluri Personalized Medicine Clinic Variant Classification & Assertion Criteria_Updated V.1. Collection method: research. Allele origin: unknown. Inheritance: Somatic mutation.
Comment: Mutations in ABCC8 gene are associated with both neonatal diabetes mellitus as well as MODY. Patients with this mutation may have a better response to sulfonylureas. However, no sufficient evidence is found to ascertain the role of this particular variant (rs772409200) in MODY yet.

Clinical Genomics, Uppaluri K&H Personalized Medicine Clinic
Classification: Uncertain significance for Transitory neonatal diabetes mellitus. Review status: criteria provided, single submitter. Criteria: K & H Uppaluri Personalized Medicine Clinic Variant Classification & Assertion Criteria_Updated V.1. Collection method: research. Allele origin: unknown. Inheritance: Somatic mutation.
Comment: Mutations in ABCC8 gene are associated with both neonatal diabetes mellitus as well as MODY. Patients with this mutation may have a better response to sulfonylureas. However, no sufficient evidence is found to ascertain the role of this particular variant (rs772409200) in neonatal diabetes yet.

Counsyl
Classification: Uncertain significance for Hyperinsulinemic hypoglycemia, familial, 1. Last evaluated: 2017-02-14. Review status: no assertion criteria provided. Collection method: clinical testing. Allele origin: unknown. Not counted in ClinVar's aggregate classification.

Literature cited by the submitters: PubMed 16885549 (cited by Clinical Genomics, Uppaluri K&H Personalized Medicine Clinic); PubMed 21989597 (cited by Clinical Genomics, Uppaluri K&H Personalized Medicine Clinic); PubMed 27538677 (cited by Clinical Genomics, Uppaluri K&H Personalized Medicine Clinic); PubMed 18981553 (cited by Clinical Genomics, Uppaluri K&H Personalized Medicine Clinic); PubMed 32027066 (cited by Clinical Genomics, Uppaluri K&H Personalized Medicine Clinic); PubMed 16613899 (cited by Clinical Genomics, Uppaluri K&H Personalized Medicine Clinic); PubMed 18025408 (cited by Clinical Genomics, Uppaluri K&H Personalized Medicine Clinic); PubMed 32792356 (cited by Clinical Genomics, Uppaluri K&H Personalized Medicine Clinic).

NM_000352.6(ABCC8):c.589TTC[1] (p.Phe198del)

Gene: ABCC8 (ATP binding cassette subfamily C member 8; minus strand). Cytogenetic location: 11p15.1.
Variant type: Microsatellite.
Coding change: c.589TTC[1] on transcript NM_000352.6 (MANE Select); one copy of the 3-base unit TTC starting at c.589; the reference has two copies in a row; one copy, 3 bases deleted.
Protein change: p.Phe198del; deletes phenylalanine 198.
Molecular consequence: inframe deletion. On other transcripts: non-coding transcript variant (1).
Genome position (GRCh38, 1-based): chr11:17,461,811-17,461,813, GAA deleted on the plus strand (TTC on the coding strand, the reverse complement: ABCC8 is on the minus strand); deleting any 3 consecutive bases within chr11:17,461,811-17,461,818 gives the same sequence; the position shown is the placement nearest the transcript's 3' end. VCF-style (leftmost placement, unchanged base first): chr11-17461810-TGAA-T. GRCh37 (hg19) VCF-style: chr11-17483357-TGAA-T.
Other names: c.589TTC[1], p.Phe198del (NM_001287174.3, NM_001351295.2, NM_001351296.2 and 1 more transcripts); short protein forms F198del.
Identifiers: ClinVar variation 550521 (VCV000550521.3), dbSNP rs772409200, ClinGen allele CA5903817.